The following is an entry in ClinVar:

ClinVar aggregate classification (germline): Uncertain significance (1 of 4 stars; one submission).

Allele frequency attached by ClinVar (database versions not stated): gnomAD exomes below 0.00001.

Submission:

GeneDx
Classification: Uncertain significance. Last evaluated: 2018-03-02. Review status: criteria provided, single submitter. Criteria: GeneDx Variant Classification (06012015). Collection method: clinical testing. Allele origin: germline. Affected: yes.
Comment: A variant of uncertain significance has been identified in the SPTLC1 gene. The c.1030_1031delCT variant has not been published as a pathogenic variant, nor has it been reported as a benign variant to our knowledge. It was not observed in approximately 6,500 individuals of European and African American ancestry in the NHLBI Exome Sequencing Project, indicating it is not a common benign variant in these populations. The c.1030_1031delCT variant causes a frameshift starting with codon Leucine 344, changes this amino acid to a Valine residue and creates a premature Stop codon at position 7 of the new reading frame, denoted p.Leu344ValfsX7. This variant is predicted to cause loss of normal protein function either through protein truncation or nonsense-mediated mRNA decay. However, frameshift variants in the SPTLC1 gene have not been reported previously to our knowledge in association with neuropathy (Stenson et al., 2014). Therefore, based on the currently available information, it is unclear whether this variant is a pathogenic variant or a rare benign variant.

NM_006415.4(SPTLC1):c.1030_1031del (p.Leu344fs)

Gene: SPTLC1 (serine palmitoyltransferase long chain base subunit 1; minus strand). Cytogenetic location: 9q22.31.
Variant type: Deletion.
Coding change: c.1030_1031del on transcript NM_006415.4 (MANE Select); coding-DNA positions 1030 to 1031, 2 bases deleted (CT; older notation c.1030_1031delCT).
Protein change: p.Leu344fs; shifts the reading frame from leucine 344.
Molecular consequence: frameshift variant.
Genome position (GRCh38, 1-based): chr9:92,047,222-92,047,223, AG deleted on the plus strand (CT on the coding strand, the reverse complement: SPTLC1 is on the minus strand). VCF-style (leftmost placement, unchanged base first): chr9-92047221-CAG-C. GRCh37 (hg19) VCF-style: chr9-94809503-CAG-C.
Other names: c.1030_1031del (LRG_272t1); c.1030_1031del, p.Leu344fs (NM_001281303.2); c.664_665del, p.Leu222fs (NM_001368272.1); c.565_566del, p.Leu189fs (NM_001368273.1); short protein forms L189fs, L222fs, L344fs.
Identifiers: ClinVar variation 373162 (VCV000373162.2), dbSNP rs1057518260, ClinGen allele CA16042699.